The following is an entry in ClinVar:

ClinVar aggregate classification (germline): Pathogenic/Likely pathogenic. Review status: criteria provided, multiple submitters, no conflicts (2 of 4 stars). 3 submissions from 3 submitters: Pathogenic (1); Likely pathogenic (2). Last evaluated 2024-04-15.

Conditions:
Microcephaly 1, primary, autosomal recessive (MCPH1). Also called: PREMATURE CHROMOSOME CONDENSATION SYNDROME; PCC SYNDROME; PREMATURE CHROMOSOME CONDENSATION WITH MICROCEPHALY AND MENTAL RETARDATION. Identifiers: Orphanet 2512, MedGen C1855081, MONDO:0009617, OMIM 251200.
Abnormality of the nervous system. Also called: Congenital nervous system disorder. Identifiers: MedGen C0497552, MONDO:0002320, HP:0000707.

Submissions (3):

Fulgent Genetics
Classification: Likely pathogenic for Microcephaly 1, primary, autosomal recessive. Last evaluated: 2024-04-15. Review status: criteria provided, single submitter. Criteria: ACMG Guidelines, 2015. Collection method: clinical testing. Allele origin: germline.

Labcorp Genetics (formerly Invitae), Labcorp
Classification: Pathogenic. Last evaluated: 2023-08-04. Review status: criteria provided, single submitter. Criteria: Invitae Variant Classification Sherloc (09022015). Collection method: clinical testing. Allele origin: germline.
Comment: This variant has not been reported in the literature in individuals affected with MCPH1-related conditions. For these reasons, this variant has been classified as Pathogenic. ClinVar contains an entry for this variant (Variation ID: 1180736). The frequency data for this variant in the population databases is considered unreliable, as metrics indicate poor data quality at this position in the gnomAD database. This sequence change creates a premature translational stop signal (p.Lys107Asnfs*39) in the MCPH1 gene. It is expected to result in an absent or disrupted protein product. Loss-of-function variants in MCPH1 are known to be pathogenic (PMID: 20978018).

Kariminejad - Najmabadi Pathology & Genetics Center
Classification: Likely pathogenic for Abnormality of the nervous system. Last evaluated: 2021-07-10. Review status: criteria provided, single submitter. Criteria: ACMG Guidelines, 2015. Collection method: clinical testing. Allele origin: germline. Affected: yes.

Literature cited by the submitters: PubMed 20978018 (cited by Labcorp Genetics (formerly Invitae), Labcorp).

NM_024596.5(MCPH1):c.321del (p.Lys107fs)

Gene: MCPH1 (microcephalin 1; plus strand). Cytogenetic location: 8p23.1.
Variant type: Deletion.
Coding change: c.321del on transcript NM_024596.5 (MANE Select); coding-DNA position 321, one base deleted (A; older notation c.321delA).
Protein change: p.Lys107fs; shifts the reading frame from lysine 107.
Molecular consequence: frameshift variant. On other transcripts: non-coding transcript variant (1).
Genome position (GRCh38, 1-based): chr8:6,431,586, A deleted; the last of 9 consecutive A bases (chr8:6,431,578-6,431,586); deleting any one gives the same sequence. VCF-style (leftmost placement, unchanged base first): chr8-6431577-TA-T. GRCh37 (hg19) VCF-style: chr8-6289098-TA-T.
Other names: c.321delA (NM_024596.5); c.321del, p.Lys107fs (NM_001172574.2, NM_001172575.2, NM_001322042.2 and 2 more transcripts); c.315del, p.Lys105fs (NM_001322043.2); c.219del, p.Lys73fs (NM_001322045.2); short protein forms K105fs, K107fs, K73fs.
Identifiers: ClinVar variation 1180736 (VCV001180736.5), dbSNP rs759663956, ClinGen allele CA4610167.
Genomic context (GRCh38, chr8:6,431,577, plus strand): 5'-ACACATTGATGAATCATTGTTCCCTGCAGCTAATATGAATGAACACTTATCAAGCCTAAT[TA>T]AAAAAAAAGTAAGTACATGATTTCAATGTAGATAATGGCAATTAGGAATTTATTCGTTTT-3'